The following is an entry in ClinVar:

ClinVar aggregate classification (germline): Likely benign (1 of 4 stars; one submission).

Conditions:
Retinitis pigmentosa (RP). Identifiers: Orphanet 791, MedGen C0035334, MeSH D012174, MONDO:0019200, OMIM 268000. Inheritance: Autosomal dominant, autosomal recessive and X linked inheritance.

Allele frequency attached by ClinVar (database versions not stated): gnomAD exomes 0.00223; 1000 Genomes Project 0.01378; 1000 Genomes Project 30x 0.01437; gnomAD 0.01616 and 0.01734; TOPMed 0.01874.
gnomAD v4.1: 2,437 of 157,076 alleles (1.6%); highest among the groups gnomAD compares: African/African-American, 5.6%; 64 homozygotes.

Submission:

Illumina Laboratory Services, Illumina
Classification: Likely benign for Retinitis pigmentosa. Last evaluated: 2018-01-13. Review status: criteria provided, single submitter. Criteria: ICSL Variant Classification Criteria 13 December 2019. Collection method: clinical testing. Allele origin: germline.
Comment: This variant was observed in the ICSL laboratory as part of a predisposition screen in an ostensibly healthy population. It had not been previously curated by ICSL or reported in the Human Gene Mutation Database (HGMD: prior to June 1st, 2018), and was therefore a candidate for classification through an automated scoring system. Utilizing variant allele frequency, disease prevalence and penetrance estimates, and inheritance mode, an automated score was calculated to assess if this variant is too frequent to cause the disease. Based on the score and internal cut-off values, a variant classified as likely benign is not then subjected to further curation. The score for this variant resulted in a classification of likely benign for this disease.

NM_016247.4(IMPG2):c.*444G>A

Gene: IMPG2 (interphotoreceptor matrix proteoglycan 2; minus strand). Cytogenetic location: 3q12.3.
Variant type: single nucleotide variant.
Coding change: c.*444G>A on transcript NM_016247.4 (MANE Select); 444 bases downstream of the stop codon, G replaced by A.
Molecular consequence: 3 prime UTR variant.
Genome position (GRCh38, 1-based): chr3:101,226,525, C>T on the plus strand (G>A on the coding strand, the complement: IMPG2 is on the minus strand). VCF-style: chr3-101226525-C-T. GRCh37 (hg19) VCF-style: chr3-100945369-C-T.
Identifiers: ClinVar variation 342320 (VCV000342320.5), dbSNP rs115229467, ClinGen allele CA10614794.